The following is an entry in ClinVar:

NM_000784.4(CYP27A1):c.667G>C (p.Glu223Gln)

Gene: CYP27A1 (cytochrome P450 family 27 subfamily A member 1; plus strand). Cytogenetic location: 2q35.
Variant type: single nucleotide variant.
Coding change: c.667G>C on transcript NM_000784.4 (MANE Select); coding-DNA position 667, G replaced by C.
Protein change: p.Glu223Gln; replaces glutamic acid 223 with glutamine.
Molecular consequence: missense variant.
Genome position (GRCh38, 1-based): chr2:218,812,572, G>C. VCF-style: chr2-218812572-G-C. GRCh37 (hg19) VCF-style: chr2-219677295-G-C.
Other names: short protein forms E223Q.
Identifiers: ClinVar variation 1404006 (VCV001404006.7), dbSNP rs760323157, ClinGen allele CA350586004.

ClinVar aggregate classification (germline): Uncertain significance. Review status: criteria provided, multiple submitters, no conflicts (2 of 4 stars). 2 submissions from 2 submitters: Uncertain significance (2). Last evaluated 2026-05-14.

Conditions:
Cholestanol storage disease (CTX). Also called: CEREBRAL CHOLESTERINOSIS; Cerebrotendinous Xanthomatosis; CTX: Cerebrotendinous xanthomatosis. Identifiers: Orphanet 909, MedGen C0238052, MONDO:0008948, OMIM 213700.

Submissions (2):

Women's Health and Genetics/Laboratory Corporation of America, LabCorp
Classification: Uncertain significance. Last evaluated: 2026-05-14. Review status: criteria provided, single submitter. Criteria: LabCorp Variant Classification Summary - May 2015. Collection method: clinical testing. Allele origin: germline.
Comment: Variant summary: CYP27A1 c.667G>C (p.Glu223Gln) results in a conservative amino acid change in the encoded protein sequence. Algorithms developed to predict the effect of missense changes on protein structure and function are either unavailable or do not agree on the potential impact of this missense change. The variant was absent in 251398 control chromosomes (gnomAD). The available data on variant occurrences in the general population are insufficient to allow any conclusion about variant significance. c.667G>C has been observed in an individual affected with Cerebrotendinous Xanthomatosis (Degos_2016). These data do not allow any conclusion about variant significance. To our knowledge, no experimental evidence demonstrating an impact on protein function has been reported. The following publication has been ascertained in the context of this evaluation (PMID: 27084087). ClinVar contains an entry for this variant (Variation ID: 1404006). Based on the evidence outlined above, the variant was classified as uncertain significance.

Labcorp Genetics (formerly Invitae), Labcorp
Classification: Uncertain significance for Cholestanol storage disease. Last evaluated: 2023-03-01. Review status: criteria provided, single submitter. Criteria: Invitae Variant Classification Sherloc (09022015). Collection method: clinical testing. Allele origin: germline.
Comment: In summary, the available evidence is currently insufficient to determine the role of this variant in disease. Therefore, it has been classified as a Variant of Uncertain Significance. Algorithms developed to predict the effect of sequence changes on RNA splicing suggest that this variant may disrupt the consensus splice site. Advanced modeling of protein sequence and biophysical properties (such as structural, functional, and spatial information, amino acid conservation, physicochemical variation, residue mobility, and thermodynamic stability) has been performed at Invitae for this missense variant, however the output from this modeling did not meet the statistical confidence thresholds required to predict the impact of this variant on CYP27A1 protein function. ClinVar contains an entry for this variant (Variation ID: 1404006). This missense change has been observed in individual(s) with cerebrotendinous xanthomatosis (PMID: 27084087). This variant is not present in population databases (gnomAD no frequency). This sequence change replaces glutamic acid, which is acidic and polar, with glutamine, which is neutral and polar, at codon 223 of the CYP27A1 protein (p.Glu223Gln).

Literature cited by the submitters: PubMed 27084087 (cited by Women's Health and Genetics/Laboratory Corporation of America, LabCorp and Labcorp Genetics (formerly Invitae), Labcorp).